The following is an entry in ClinVar:

ClinVar aggregate classification (germline): Benign/Likely benign. Review status: criteria provided, multiple submitters, no conflicts (2 of 4 stars). 4 submissions from 4 submitters: Benign (1); Likely benign (3). Last evaluated 2025-07-08.

Conditions:
Hereditary cancer-predisposing syndrome. Also called: Neoplastic Syndromes, Hereditary; Tumor predisposition; Hereditary neoplastic syndrome; Hereditary Cancer Syndrome. Identifiers: Orphanet 140162, MedGen C0027672, MeSH D009386, MONDO:0015356.
Familial cancer of breast. Also called: BREAST CANCER, FAMILIAL; Hereditary breast cancer; hereditary breast carcinoma. Identifiers: Orphanet 227535, MedGen C0346153, MONDO:0016419, OMIM 114480. Disease mechanism: loss of function.

Allele frequency attached by ClinVar (database versions not stated): gnomAD exomes below 0.00001; TOPMed below 0.00001.
gnomAD v4.1: 3 of 1,614,136 alleles (0.00019%); highest among the groups gnomAD compares: Non-Finnish European, 0.00025%; no homozygotes.

Submissions (4):

Color Diagnostics, LLC DBA Color Health
Classification: Likely benign for Hereditary cancer-predisposing syndrome. Last evaluated: 2025-07-08. Review status: criteria provided, single submitter. Criteria: ACMG Guidelines, 2015. Collection method: clinical testing. Allele origin: germline.

Labcorp Genetics (formerly Invitae), Labcorp
Classification: Likely benign for Familial cancer of breast. Last evaluated: 2025-04-11. Review status: criteria provided, single submitter. Criteria: Invitae Variant Classification Sherloc (09022015). Collection method: clinical testing. Allele origin: germline.

Myriad Genetics, Inc.
Classification: Benign for Familial cancer of breast. Last evaluated: 2024-10-02. Review status: criteria provided, single submitter. Criteria: Myriad Autosomal Dominant, Autosomal Recessive and X-Linked Classification Criteria (2023). Collection method: clinical testing. Allele origin: unknown.
Comment: This variant is considered benign. This variant is a silent/synonymous amino acid change and it is not expected to impact splicing.

Ambry Genetics
Classification: Likely benign for Hereditary cancer-predisposing syndrome. Last evaluated: 2018-09-22. Review status: criteria provided, single submitter. Criteria: Ambry Variant Classification Scheme 2023. Collection method: clinical testing. Allele origin: germline.

NM_007194.4(CHEK2):c.426A>G (p.Lys142=)

Gene: CHEK2 (checkpoint kinase 2; minus strand). Cytogenetic location: 22q12.1.
Variant type: single nucleotide variant.
Coding change: c.426A>G on transcript NM_007194.4 (MANE Select); coding-DNA position 426, A replaced by G.
Protein change: p.Lys142=; no amino-acid change (lysine 142 retained).
Molecular consequence: synonymous variant.
Genome position (GRCh38, 1-based): chr22:28,725,261, T>C on the plus strand (A>G on the coding strand, the complement: CHEK2 is on the minus strand). VCF-style: chr22-28725261-T-C. GRCh37 (hg19) VCF-style: chr22-29121249-T-C.
Other names: c.555A>G, p.Lys185= (NM_001005735.3); c.-352A>G (NM_001257387.3); c.426A>G, p.Lys142= (NM_001349956.3, NM_145862.3).
Identifiers: ClinVar variation 824739 (VCV000824739.14), dbSNP rs1601825176, ClinGen allele CA514168964.